The following is an entry in ClinVar:

ClinVar aggregate classification (germline): Uncertain significance (1 of 4 stars; one submission).

Conditions:
Mucopolysaccharidosis, MPS-IV-A (MPS4A). Also called: Mucopolysaccharidosis type IV A; Mucopolysaccharidosis Type IVA; Morquio syndrome A, mild; MORQUIO SYNDROME A; MPS IVA; mucopolysaccharidosis type 4A. Identifiers: Orphanet 309297, Orphanet 582, MedGen C0086651, MONDO:0009659, OMIM 253000.

Submission:

Laboratory of Diagnosis and Therapy of Lysosomal Disorders, University of Padova
Classification: Uncertain significance for Mucopolysaccharidosis, MPS-IV-A. Last evaluated: 2021-02-01. Review status: criteria provided, single submitter. Criteria: ACMG Guidelines, 2015. Collection method: curation. Allele origin: germline. Affected: yes.
Comment: Absent from gnomAD v2.1.1 (PM2_moderate); multiple lines of computational evidence suggest no impact on gene or gene product (BP4_supporting)

Literature cited by the submitters: PubMed 16287098; PubMed 34387910.

NM_000512.5(GALNS):c.1408T>C (p.Ser470Pro)

Genes: GALNS (galactosamine (N-acetyl)-6-sulfatase; minus strand), LOC126862447 (CDK7 strongly-dependent group 2 enhancer GRCh37_chr16:88884193-88885392; plus strand). Cytogenetic location: 16q24.3.
Variant type: single nucleotide variant.
Coding change: c.1408T>C on transcript NM_000512.5 (MANE Select); coding-DNA position 1408, T replaced by C.
Protein change: p.Ser470Pro; replaces serine 470 with proline.
Molecular consequence: missense variant.
Genome position (GRCh38, 1-based): chr16:88,818,081, A>G on the plus strand (T>C on the coding strand, the complement: GALNS is on the minus strand). VCF-style: chr16-88818081-A-G. GRCh37 (hg19) VCF-style: chr16-88884489-A-G.
Other names: c.853T>C, p.Ser285Pro (NM_001323543.2); c.1426T>C, p.Ser476Pro (NM_001323544.2); short protein forms S285P, S470P, S476P.
Identifiers: ClinVar variation 1048236 (VCV001048236.3), dbSNP rs2142982603, ClinGen allele CA397094460.